The following is an entry in ClinVar:

ClinVar aggregate classification (germline): Uncertain significance. Review status: criteria provided, multiple submitters, no conflicts (2 of 4 stars). 2 submissions from 2 submitters: Uncertain significance (2). Last evaluated 2024-01-11.

Conditions:
Cardiovascular phenotype. Identifiers: MedGen CN230736.
Long QT syndrome (LQTS). Identifiers: MedGen C0023976, MeSH D008133, MONDO:0002442. Disease mechanism: loss of function. Inheritance: Various modes of inheritance.

gnomAD v4.1: 34 of 1,613,834 alleles (0.0021%); highest among the groups gnomAD compares: East Asian, 0.074%; no homozygotes.

Submissions (2):

Ambry Genetics
Classification: Uncertain significance for Cardiovascular phenotype. Last evaluated: 2024-01-11. Review status: criteria provided, single submitter. Criteria: Ambry Variant Classification Scheme 2023. Collection method: clinical testing. Allele origin: germline.
Comment: The p.R1936L variant (also known as c.5807G>T), located in coding exon 38 of the ANK2 gene, results from a G to T substitution at nucleotide position 5807. The arginine at codon 1936 is replaced by leucine, an amino acid with dissimilar properties. This amino acid position is conserved. In addition, this alteration is predicted to be tolerated by in silico analysis. Since supporting evidence is limited at this time, the clinical significance of this alteration remains unclear.

Labcorp Genetics (formerly Invitae), Labcorp
Classification: Uncertain significance for Long QT syndrome. Last evaluated: 2023-11-01. Review status: criteria provided, single submitter. Criteria: Invitae Variant Classification Sherloc (09022015). Collection method: clinical testing. Allele origin: germline.
Comment: This sequence change replaces arginine, which is basic and polar, with leucine, which is neutral and non-polar, at codon 1936 of the ANK2 protein (p.Arg1936Leu). This variant is present in population databases (rs773045751, gnomAD 0.01%). This variant has not been reported in the literature in individuals affected with ANK2-related conditions. An algorithm developed to predict the effect of missense changes on protein structure and function (PolyPhen-2) suggests that this variant is likely to be disruptive. In summary, the available evidence is currently insufficient to determine the role of this variant in disease. Therefore, it has been classified as a Variant of Uncertain Significance.

NM_001148.6(ANK2):c.5807G>T (p.Arg1936Leu)

Genes: ANK2 (ankyrin 2; plus strand), LOC126807136 (MED14-independent group 3 enhancer GRCh37_chr4:114274931-114276130; plus strand). Cytogenetic location: 4q26.
Variant type: single nucleotide variant.
Coding change: c.5807G>T on transcript NM_001148.6 (MANE Select); coding-DNA position 5807, G replaced by T.
Protein change: p.Arg1936Leu; replaces arginine 1936 with leucine.
Molecular consequence: missense variant. On other transcripts: intron variant (68).
Genome position (GRCh38, 1-based): chr4:113,354,425, G>T. VCF-style: chr4-113354425-G-T. GRCh37 (hg19) VCF-style: chr4-114275581-G-T.
Other names: c.5573G>T, p.Arg1858Leu (NM_001386142.1); c.2207G>T, p.Arg736Leu (NM_001386166.1); c.5948G>T, p.Arg1983Leu (NM_001386174.1); c.5924G>T, p.Arg1975Leu (NM_001386175.1); c.4411+4176G>T (NM_001386186.2, NM_001386148.2); c.4213+4176G>T (NM_001354269.3); c.4291+4176G>T (NM_001386187.2); c.4252+4176G>T (NM_001386147.1); and 35 more; short protein forms R1983L, R1858L, R1975L, R736L, R1936L.
Identifiers: ClinVar variation 2913738 (VCV002913738.4), dbSNP rs773045751, ClinGen allele CA3051304.